The following is an entry in ClinVar:

NM_003000.3(SDHB):c.485A>G (p.Glu162Gly)

Gene: SDHB (succinate dehydrogenase complex iron sulfur subunit B; minus strand). Cytogenetic location: 1p36.13.
Variant type: single nucleotide variant.
Coding change: c.485A>G on transcript NM_003000.3 (MANE Select); coding-DNA position 485, A replaced by G.
Protein change: p.Glu162Gly; replaces glutamic acid 162 with glycine.
Molecular consequence: missense variant.
Genome position (GRCh38, 1-based): chr1:17,027,804, T>C on the plus strand (A>G on the coding strand, the complement: SDHB is on the minus strand). VCF-style: chr1-17027804-T-C. GRCh37 (hg19) VCF-style: chr1-17354299-T-C.
Other names: c.431A>G, p.Glu144Gly (NM_001407361.1); short protein forms E162G, E144G.
Identifiers: ClinVar variation 2099228 (VCV002099228.4), dbSNP rs2525017726, ClinGen allele CA338272772.

ClinVar aggregate classification (germline): Uncertain significance (1 of 4 stars; one submission).

Conditions:
Pheochromocytoma. Also called: MAX-Related Hereditary Paraganglioma-Pheochromocytoma Syndrome. Identifiers: Orphanet 29072, MedGen C0031511, MONDO:0008233, OMIM 171300, HP:0002666.
Pheochromocytoma/paraganglioma syndrome 4. Also called: CAROTID BODY TUMORS AND MULTIPLE EXTRAADRENAL PHEOCHROMOCYTOMAS; PARAGANGLIOMA, FAMILIAL MALIGNANT; PARAGANGLIOMAS, HEREDITARY EXTRAADRENAL; PHEOCHROMOCYTOMA, FAMILIAL EXTRAADRENAL; Paragangliomas 4; SDHB-Related Hereditary Paraganglioma-Pheochromocytoma Syndrome (Paragangliomas 4). Identifiers: Orphanet 29072, MedGen C1861848, MONDO:0007273, OMIM 115310.
Gastrointestinal stromal tumor. Also called: Gastrointestinal stroma tumor; Gastrointestinal stromal tumor, somatic. Identifiers: Orphanet 44890, MedGen C0238198, MeSH D046152, MONDO:0011719, OMIM 606764, HP:0100723.

Submission:

Labcorp Genetics (formerly Invitae), Labcorp
Classification: Uncertain significance for Gastrointestinal stromal tumor; Pheochromocytoma/paraganglioma syndrome 4; Pheochromocytoma. Last evaluated: 2023-12-07. Review status: criteria provided, single submitter. Criteria: Invitae Variant Classification Sherloc (09022015). Collection method: clinical testing. Allele origin: germline.
Comment: This sequence change replaces glutamic acid, which is acidic and polar, with glycine, which is neutral and non-polar, at codon 162 of the SDHB protein (p.Glu162Gly). This variant is not present in population databases (gnomAD no frequency). This variant has not been reported in the literature in individuals affected with SDHB-related conditions. ClinVar contains an entry for this variant (Variation ID: 2099228). Advanced modeling of protein sequence and biophysical properties (such as structural, functional, and spatial information, amino acid conservation, physicochemical variation, residue mobility, and thermodynamic stability) performed at Invitae indicates that this missense variant is not expected to disrupt SDHB protein function with a negative predictive value of 80%. In summary, the available evidence is currently insufficient to determine the role of this variant in disease. Therefore, it has been classified as a Variant of Uncertain Significance.